The following is an entry in ClinVar:

ClinVar aggregate classification (germline): Benign/Likely benign. Review status: criteria provided, multiple submitters, no conflicts (2 of 4 stars). 4 submissions from 4 submitters: Benign (1); Likely benign (3). Last evaluated 2024-04-15.

Conditions:
Hereditary cancer-predisposing syndrome. Also called: Hereditary Cancer Syndrome; Neoplastic Syndromes, Hereditary; Hereditary neoplastic syndrome; Tumor predisposition. Identifiers: Orphanet 140162, MedGen C0027672, MeSH D009386, MONDO:0015356.
Classic or attenuated familial adenomatous polyposis. Identifiers: MedGen CN372698, MONDO:0021057.
Familial adenomatous polyposis 1 (FAP1). Also called: FAMILIAL ADENOMATOUS POLYPOSIS 1, ATTENUATED; POLYPOSIS, ADENOMATOUS INTESTINAL. Identifiers: MedGen C2713442, MONDO:0021056, OMIM 175100. Disease mechanism: loss of function.

Submissions (4):

Myriad Genetics, Inc.
Classification: Benign for Familial adenomatous polyposis 1. Last evaluated: 2024-04-15. Review status: criteria provided, single submitter. Criteria: Myriad Autosomal Dominant, Autosomal Recessive and X-Linked Classification Criteria (2023). Collection method: clinical testing. Allele origin: unknown.
Comment: This variant is considered benign. This variant is a silent/synonymous amino acid change and it is not expected to impact splicing.

All of Us Research Program, National Institutes of Health
Classification: Likely benign for Classic or attenuated familial adenomatous polyposis. Last evaluated: 2023-09-04. Review status: criteria provided, single submitter. Criteria: ACMG Guidelines, 2015. Collection method: clinical testing. Allele origin: germline. Inheritance: Autosomal dominant inheritance. Observed: 1 variant allele, 1 heterozygote.
Comment: This study involves interpretation of variants in research participants for the purpose of population health screening. Participant phenotype was not available at the time of variant classification. Additional details can be found in publication PMID: 35346344, PMCID: PMC8962531

Ambry Genetics
Classification: Likely benign for Hereditary cancer-predisposing syndrome. Last evaluated: 2020-11-16. Review status: criteria provided, single submitter. Criteria: Ambry Variant Classification Scheme 2023. Collection method: clinical testing. Allele origin: germline.

Labcorp Genetics (formerly Invitae), Labcorp
Classification: Likely benign for Familial adenomatous polyposis 1. Last evaluated: 2019-05-08. Review status: criteria provided, single submitter. Criteria: Invitae Variant Classification Sherloc (09022015). Collection method: clinical testing. Allele origin: germline.

NM_000038.6(APC):c.8439A>G (p.Thr2813=)

Gene: APC (APC regulator of Wnt signaling pathway; plus strand). Cytogenetic location: 5q22.2.
Variant type: single nucleotide variant.
Coding change: c.8439A>G on transcript NM_000038.6 (MANE Select); coding-DNA position 8439, A replaced by G.
Protein change: p.Thr2813=; no amino-acid change (threonine 2813 retained).
Molecular consequence: synonymous variant.
Genome position (GRCh38, 1-based): chr5:112,844,033, A>G. VCF-style: chr5-112844033-A-G. GRCh37 (hg19) VCF-style: chr5-112179730-A-G.
Other names: c.8439A>G, p.Thr2813= (NM_001127510.3, NM_001354895.2); c.8385A>G, p.Thr2795= (NM_001127511.3); c.8493A>G, p.Thr2831= (NM_001354896.2); c.8469A>G, p.Thr2823= (NM_001354897.2); c.8364A>G, p.Thr2788= (NM_001354898.2); c.8355A>G, p.Thr2785= (NM_001354899.2); c.8316A>G, p.Thr2772= (NM_001354900.2); c.8262A>G, p.Thr2754= (NM_001354901.2); and 5 more.
Identifiers: ClinVar variation 1140383 (VCV001140383.14), dbSNP rs864622211, ClinGen allele CA446211387.